The following is an entry in ClinVar:

NM_001048174.2(MUTYH):c.49del (p.Ala17fs)

Gene: MUTYH (mutY DNA glycosylase; minus strand). Cytogenetic location: 1p34.1.
Variant type: Deletion.
Coding change: c.49del on transcript NM_001048174.2 (MANE Select); coding-DNA position 49, one base deleted (G; older notation c.49delG).
Protein change: p.Ala17fs; shifts the reading frame from alanine 17.
Molecular consequence: frameshift variant. On other transcripts: 5 prime UTR variant (4), non-coding transcript variant (2).
Genome position (GRCh38, 1-based): chr1:45,334,457, C deleted on the plus strand (G on the coding strand, the reverse complement: MUTYH is on the minus strand). VCF-style (leftmost placement, unchanged base first): chr1-45334456-GC-G. GRCh37 (hg19) VCF-style: chr1-45800128-GC-G.
Other names: c.91delG (NM_001128425.1); c.49del, p.Ala17fs (NM_001048171.2, NM_001048172.2, NM_001048173.2 and 2 more transcripts); c.91del, p.Ala31fs (NM_001128425.2, NM_001293190.2, NM_012222.3); c.-164del (NM_001293192.2, NM_001293196.2); c.-223del (NM_001350650.2); c.-159del (NM_001350651.2); short protein forms A17fs, A31fs.
Identifiers: ClinVar variation 141379 (VCV000141379.31), dbSNP rs587781704, ClinGen allele CA014621.

ClinVar aggregate classification (germline): Pathogenic. Review status: criteria provided, multiple submitters, no conflicts (2 of 4 stars). 10 submissions from 10 submitters: Pathogenic (10). Last evaluated 2025-10-25.

Conditions:
Hereditary cancer-predisposing syndrome. Also called: Tumor predisposition; Neoplastic Syndromes, Hereditary; Hereditary Cancer Syndrome; Hereditary neoplastic syndrome. Identifiers: Orphanet 140162, MedGen C0027672, MeSH D009386, MONDO:0015356.
Familial adenomatous polyposis 2. Also called: FAP type 2; Adenomas, multiple colorectal; MUTYH Polyposis; MYH-associated polyposis; MUTYH-associated polyposis; MUTYH-related attenuated familial adenomatous polyposis. Identifiers: Orphanet 220460, Orphanet 247798, MedGen C3272841, MONDO:0012041, OMIM 608456.
Gastric cancer. Also called: Stomach cancer; Malignant tumor of stomach. Identifiers: MedGen C0024623, MeSH D013274, MONDO:0001056, OMIM 613659, HP:0012126.

Allele frequency attached by ClinVar (database versions not stated): gnomAD exomes below 0.00001 and 0.00002; gnomAD 0.00001; TOPMed 0.00001; ExAC 0.00002; 1000 Genomes Project 30x 0.00031.

Submissions (10):

Labcorp Genetics (formerly Invitae), Labcorp
Classification: Pathogenic for Familial adenomatous polyposis 2. Last evaluated: 2025-10-25. Review status: criteria provided, single submitter. Criteria: Invitae Variant Classification Sherloc (09022015). Collection method: clinical testing. Allele origin: germline.
Comment: This sequence change creates a premature translational stop signal (p.Ala31Profs*27) in the MUTYH gene. It is expected to result in an absent or disrupted protein product. Loss-of-function variants in MUTYH are known to be pathogenic (PMID: 18534194, 20663686). This variant is present in population databases (rs587781704, gnomAD 0.01%). This variant has not been reported in the literature in individuals affected with MUTYH-related conditions. ClinVar contains an entry for this variant (Variation ID: 141379). For these reasons, this variant has been classified as Pathogenic.

Dasa
Classification: Pathogenic. Last evaluated: 2025-08-12. Review status: criteria provided, single submitter. Criteria: DASA Assertion Criteria. Collection method: clinical testing. Allele origin: germline.
Comment: NM_001048174.2(MUTYH):c.49del (p.Ala17Profs*46) introduces a premature termination codon predicted to result in loss of normal protein function. Loss-of-function is an established mechanism of disease for this gene. This variant has been reported in an affected individual with related phenotype in a genotype context consistent with recessive disease (PMID: 25590978). The variant is present at low frequency in population datasets. Based on the available data, this variant is classified as pathogenic.

Ambry Genetics
Classification: Pathogenic for Hereditary cancer-predisposing syndrome. Last evaluated: 2025-07-15. Review status: criteria provided, single submitter. Criteria: Ambry Variant Classification Scheme 2023. Collection method: clinical testing. Allele origin: germline.
Comment: The c.91delG pathogenic mutation, located in coding exon 2 of the MUTYH gene, results from a deletion of one nucleotide at nucleotide position 91, causing a translational frameshift with a predicted alternate stop codon (p.A31Pfs*27). This variant has been detected as homozygous or as compound heterozygous in patients diagnosed with polyposis (>10 polyps) (Inra JA et al. Genet. Med. 2015 Oct;17(10):815-21). This alteration is expected to result in loss of function by premature protein truncation or nonsense-mediated mRNA decay. As such, this alteration is interpreted as a disease-causing mutation.

Color Diagnostics, LLC DBA Color Health
Classification: Pathogenic for Hereditary cancer-predisposing syndrome. Last evaluated: 2025-06-11. Review status: criteria provided, single submitter. Criteria: ACMG Guidelines, 2015. Collection method: clinical testing. Allele origin: germline.
Comment: This variant deletes 1 nucleotide in exon 2 of the MUTYH gene, creating a frameshift and premature translation stop signal. This variant is expected to result in an absent or non-functional protein product. This variant has been observed in homozygosity and compound heterozygosity in individuals affected with autosomal recessive MUTYH-associated polyposis (PMID: 25590978), indicating that this variant contributes to disease. This variant has been identified in 5/251478 chromosomes in the general population by the Genome Aggregation Database (gnomAD). Loss of MUTYH function is a known mechanism of disease. Based on the available evidence, this variant is classified as Pathogenic.

All of Us Research Program, National Institutes of Health
Classification: Pathogenic for Familial adenomatous polyposis 2. Last evaluated: 2024-09-23. Review status: criteria provided, single submitter. Criteria: ACMG Guidelines, 2015. Collection method: clinical testing. Allele origin: germline. Inheritance: Autosomal recessive inheritance. Observed: 1 variant allele, 1 heterozygote.
Comment: This variant deletes 1 nucleotide in exon 2 of the MUTYH gene, creating a frameshift and premature translation stop signal. This variant is expected to result in an absent or non-functional protein product. This variant has been identified in 5/251478 chromosomes in the general population by the Genome Aggregation Database (gnomAD). Loss of MUTYH function is a known mechanism of disease. Based on the available evidence, this variant is classified as Pathogenic.

This study involves interpretation of variants in research participants for the purpose of population health screening. Participant phenotype was not available at the time of variant classification. Additional details can be found in publication PMID: 35346344, PMCID: PMC8962531

GeneDx
Classification: Pathogenic. Last evaluated: 2024-09-11. Review status: criteria provided, single submitter. Criteria: GeneDx Variant Classification Process June 2021. Collection method: clinical testing. Allele origin: germline. Affected: yes.
Comment: Frameshift variant predicted to result in protein truncation or nonsense mediated decay in a gene for which loss of function is a known mechanism of disease; Not observed at significant frequency in large population cohorts (gnomAD); This variant is associated with the following publications: (PMID: 28152038, 30787465, 35668106, 32782288, 36735909, 25590978)

Fulgent Genetics
Classification: Pathogenic for Familial adenomatous polyposis 2; Gastric cancer. Last evaluated: 2024-03-21. Review status: criteria provided, single submitter. Criteria: ACMG Guidelines, 2015. Collection method: clinical testing. Allele origin: germline.

Baylor Genetics
Classification: Pathogenic for Familial adenomatous polyposis 2. Last evaluated: 2023-09-22. Review status: criteria provided, single submitter. Criteria: ACMG Guidelines, 2015. Collection method: clinical testing. Allele origin: unknown.

Quest Diagnostics Nichols Institute San Juan Capistrano
Classification: Pathogenic. Last evaluated: 2022-09-29. Review status: criteria provided, single submitter. Criteria: Quest Diagnostics criteria. Collection method: clinical testing. Allele origin: unknown.
Comment: This frameshift variant alters the translational reading frame of the MUTYH mRNA and causes the premature termination of MUTYH protein synthesis. In the published literature, the variant has been reported in both the homozygous and compound heterozygous states in individuals with multiple polyps (PMID: 25590978 (2015)). In addition, it has been identified in an individual with renal cancer who was a carrier of this variant (PMID: 32782288 (2020)). Based on the available information, this variant is classified as pathogenic.

Women's Health and Genetics/Laboratory Corporation of America, LabCorp
Classification: Pathogenic for Familial adenomatous polyposis 2. Last evaluated: 2021-10-15. Review status: criteria provided, single submitter. Criteria: LabCorp Variant Classification Summary - May 2015. Collection method: clinical testing. Allele origin: germline.
Comment: Variant summary: MUTYH c.91delG (p.Ala31ProfsX27) results in a premature termination codon, predicted to cause a truncation of the encoded protein or absence of the protein due to nonsense mediated decay, which are commonly known mechanisms for disease. Truncations downstream of this position have been classified as pathogenic by our laboratory. The variant allele was found at a frequency of 2e-05 in 251478 control chromosomes. c.91delG has been reported in the literature in multiple individuals affected with MUTYH-Associated Polyposis (Inra_2015). This variant was also identified in an individual with Renal Cancer and the individual was a carrier for this variant (Hartman_2020). To our knowledge, no experimental evidence demonstrating an impact on protein function has been reported. Five clinical diagnostic laboratories have submitted clinical-significance assessments for this variant to ClinVar after 2014 without evidence for independent evaluation. All laboratories classified the variant as pathogenic. Based on the evidence outlined above, the variant was classified as pathogenic.

Literature cited by the submitters: PubMed 18534194 (cited by Labcorp Genetics (formerly Invitae), Labcorp); PubMed 20663686 (cited by Labcorp Genetics (formerly Invitae), Labcorp); PubMed 25590978 (cited by 4 submitters); PubMed 32782288 (cited by Quest Diagnostics Nichols Institute San Juan Capistrano and Women's Health and Genetics/Laboratory Corporation of America, LabCorp); PubMed 28152038 (cited by Quest Diagnostics Nichols Institute San Juan Capistrano and Women's Health and Genetics/Laboratory Corporation of America, LabCorp).